The following is an entry in ClinVar:

NM_001099274.3(TINF2):c.670A>G (p.Arg224Gly)

Gene: TINF2 (TERF1 interacting nuclear factor 2; minus strand). Cytogenetic location: 14q12.
Variant type: single nucleotide variant.
Coding change: c.670A>G on transcript NM_001099274.3 (MANE Select); coding-DNA position 670, A replaced by G.
Protein change: p.Arg224Gly; replaces arginine 224 with glycine.
Molecular consequence: missense variant.
Genome position (GRCh38, 1-based): chr14:24,240,810, T>C on the plus strand (A>G on the coding strand, the complement: TINF2 is on the minus strand). VCF-style: chr14-24240810-T-C. GRCh37 (hg19) VCF-style: chr14-24710016-T-C.
Other names: c.565A>G, p.Arg189Gly (NM_001363668.2); c.670A>G, p.Arg224Gly (NM_012461.3); short protein forms R189G, R224G.
Identifiers: ClinVar variation 1020443 (VCV001020443.8), dbSNP rs747792016, ClinGen allele CA7130583.

ClinVar aggregate classification (germline): Uncertain significance (1 of 4 stars; one submission).

Conditions:
Dyskeratosis congenita. Identifiers: Orphanet 1775, MedGen C0265965, MONDO:0015780.

Allele frequency attached by ClinVar (database versions not stated): gnomAD exomes below 0.00001; ExAC 0.00001.

Submission:

Labcorp Genetics (formerly Invitae), Labcorp
Classification: Uncertain significance for Dyskeratosis congenita. Last evaluated: 2020-01-20. Review status: criteria provided, single submitter. Criteria: Invitae Variant Classification Sherloc (09022015). Collection method: clinical testing. Allele origin: germline.
Comment: In summary, the available evidence is currently insufficient to determine the role of this variant in disease. Therefore, it has been classified as a Variant of Uncertain Significance. Algorithms developed to predict the effect of missense changes on protein structure and function output the following: SIFT: "Tolerated"; PolyPhen-2: "Benign"; Align-GVGD: "Class C15". The glycine amino acid residue is found in multiple mammalian species, suggesting that this missense change does not adversely affect protein function. These predictions have not been confirmed by published functional studies and their clinical significance is uncertain. This variant has not been reported in the literature in individuals with TINF2-related conditions. This variant is present in population databases (rs747792016, ExAC 0.006%). This sequence change replaces arginine with glycine at codon 224 of the TINF2 protein (p.Arg224Gly). The arginine residue is moderately conserved and there is a moderate physicochemical difference between arginine and glycine.